The following is an entry in ClinVar:

ClinVar aggregate classification (germline): Uncertain significance. Review status: criteria provided, multiple submitters, no conflicts (2 of 4 stars). 5 submissions from 5 submitters: Uncertain significance (4). 1 of the submissions does not count toward it. Last evaluated 2025-02-17.

Conditions:
Early-infantile DEE. Also called: Early infantile epileptic encephalopathy; Ohtahara syndrome; Early infantile epileptic encephalopathy with suppression bursts. Identifiers: Orphanet 1934, MedGen C0393706, MONDO:0800491.

Allele frequency attached by ClinVar (database versions not stated): TOPMed 0.00001; gnomAD 0.00001; ExAC 0.00002; ESP Exome Variant Server 0.00008.
gnomAD v4.1: 18 of 1,613,740 alleles (0.0011%); highest among the groups gnomAD compares: Non-Finnish European, 0.0014%; no homozygotes.

Submissions (5):

Labcorp Genetics (formerly Invitae), Labcorp
Classification: Uncertain significance for Early-infantile DEE. Last evaluated: 2025-02-17. Review status: criteria provided, single submitter. Criteria: Invitae Variant Classification Sherloc (09022015). Collection method: clinical testing. Allele origin: germline.
Comment: This sequence change replaces aspartic acid, which is acidic and polar, with asparagine, which is neutral and polar, at codon 1131 of the SCN1A protein (p.Asp1131Asn). This variant is present in population databases (rs372555722, gnomAD 0.003%). This variant has not been reported in the literature in individuals affected with SCN1A-related conditions. ClinVar contains an entry for this variant (Variation ID: 1048975). Invitae Evidence Modeling of protein sequence and biophysical properties (such as structural, functional, and spatial information, amino acid conservation, physicochemical variation, residue mobility, and thermodynamic stability) has been performed for this missense variant. However, the output from this modeling did not meet the statistical confidence thresholds required to predict the impact of this variant on SCN1A protein function. In summary, the available evidence is currently insufficient to determine the role of this variant in disease. Therefore, it has been classified as a Variant of Uncertain Significance.

Dasa
Classification: Uncertain significance. Last evaluated: 2024-11-21. Review status: criteria provided, single submitter. Criteria: DASA Assertion Criteria. Collection method: clinical testing. Allele origin: germline.
Comment: NM_001165963.4(SCN1A):c.3391G>A (p.Asp1131Asn) is a missense variant that results in the substitution of aspartic acid with asparagine. This variant is rare in population databases. The currently available literature and clinical evidence are not sufficient to establish a definitive association between this variant and the reported condition. Therefore, this variant is classified as a variant of uncertain significance.

Blueprint Genetics
Classification: Uncertain significance. Last evaluated: 2024-07-17. Review status: criteria provided, single submitter. Criteria: ACMG Guidelines, 2015. Collection method: clinical testing. Allele origin: germline.

Mayo Clinic Laboratories, Mayo Clinic
Classification: Uncertain significance. Last evaluated: 2019-10-20. Review status: criteria provided, single submitter. Criteria: ACMG Guidelines, 2015. Collection method: clinical testing. Allele origin: germline. Observed: 1 variant allele.

Department of Pathology and Laboratory Medicine, Sinai Health System
Classification: Uncertain significance. Review status: no assertion criteria provided. Collection method: clinical testing. Allele origin: unknown. Affected: yes. Study: The Canadian Open Genetics Repository (COGR). Not counted in ClinVar's aggregate classification.
Comment: The SCN1A p.Asp1103Asn variant was not identified in the literature nor was it identified in ClinVar, Cosmic or LOVD 3.0. The variant was identified in dbSNP (ID: rs372555722) and was found in control databases in 3 of 251320 chromosomes at a frequency of 0.000012 (Genome Aggregation Database Feb 27, 2017). The variant was observed in the following population: European (non-Finnish) in 3 of 113662 chromosomes (freq: 0.000026), while the variant was not observed in the African, Latino, Ashkenazi Jewish, East Asian, European (Finnish), Other and South Asian populations. The variant occurs outside of the splicing consensus sequence and in silico or computational prediction software programs (SpliceSiteFinder, MaxEntScan, NNSPLICE, GeneSplicer) do not predict a difference in splicing. The p.Asp1103 residue is conserved in mammals and computational analyses (PolyPhen-2, SIFT, AlignGVGD, BLOSUM, MutationTaster) provide inconsistent predictions regarding the impact to the protein; this information is not very predictive of pathogenicity. In summary, based on the above information the clinical significance of this variant cannot be determined with certainty at this time. This variant is classified as a variant of uncertain significance.

NM_001165963.4(SCN1A):c.3391G>A (p.Asp1131Asn)

Genes: SCN1A (sodium voltage-gated channel alpha subunit 1; minus strand), LOC102724058 (uncharacterized LOC102724058; plus strand). Cytogenetic location: 2q24.3.
Variant type: single nucleotide variant.
Coding change: c.3391G>A on transcript NM_001165963.4 (MANE Select); coding-DNA position 3391, G replaced by A.
Protein change: p.Asp1131Asn; replaces aspartic acid 1131 with asparagine.
Molecular consequence: missense variant. On other transcripts: non-coding transcript variant (2).
Genome position (GRCh38, 1-based): chr2:166,036,086, C>T on the plus strand (G>A on the coding strand, the complement: SCN1A is on the minus strand). VCF-style: chr2-166036086-C-T. GRCh37 (hg19) VCF-style: chr2-166892596-C-T.
Other names: c.3307G>A, p.Asp1103Asn (NM_001165964.3, NM_001353957.2, NM_001353958.2); c.3391G>A, p.Asp1131Asn (NM_001202435.3, NM_001353948.2); c.3358G>A, p.Asp1120Asn (NM_001353949.2, NM_001353950.2, NM_001353951.2 and 2 more transcripts); c.3355G>A, p.Asp1119Asn (NM_001353954.2, NM_001353955.2); c.3304G>A, p.Asp1102Asn (NM_001353960.2); c.949G>A, p.Asp317Asn (NM_001353961.2); short protein forms D1102N, D1103N, D1119N, D1120N, D1131N, D317N.
Identifiers: ClinVar variation 1048975 (VCV001048975.14), dbSNP rs372555722, ClinGen allele CA1942978.